The following is an entry in ClinVar:

NM_020754.4(ARHGAP31):c.1643C>T (p.Ala548Val)

Gene: ARHGAP31 (Rho GTPase activating protein 31; plus strand). Cytogenetic location: 3q13.33.
Variant type: single nucleotide variant.
Coding change: c.1643C>T on transcript NM_020754.4 (MANE Select); coding-DNA position 1643, C replaced by T.
Protein change: p.Ala548Val; replaces alanine 548 with valine.
Molecular consequence: missense variant.
Genome position (GRCh38, 1-based): chr3:119,402,395, C>T. VCF-style: chr3-119402395-C-T. GRCh37 (hg19) VCF-style: chr3-119121242-C-T.
Other names: short protein forms A548V.
Identifiers: ClinVar variation 1420206 (VCV001420206.8), dbSNP rs772451058, ClinGen allele CA81689882.

ClinVar aggregate classification (germline): Uncertain significance (1 of 4 stars; one submission).

Allele frequency attached by ClinVar (database versions not stated): gnomAD exomes below 0.00001; gnomAD 0.00001; TOPMed 0.00002.
gnomAD v4.1: 2 of 1,612,500 alleles (0.00012%); highest among the groups gnomAD compares: African/African-American, 0.0027%; no homozygotes.

Submission:

Labcorp Genetics (formerly Invitae), Labcorp
Classification: Uncertain significance. Last evaluated: 2025-03-10. Review status: criteria provided, single submitter. Criteria: Invitae Variant Classification Sherloc (09022015). Collection method: clinical testing. Allele origin: germline.
Comment: This sequence change replaces alanine, which is neutral and non-polar, with valine, which is neutral and non-polar, at codon 548 of the ARHGAP31 protein (p.Ala548Val). This variant is not present in population databases (gnomAD no frequency). This variant has not been reported in the literature in individuals affected with ARHGAP31-related conditions. ClinVar contains an entry for this variant (Variation ID: 1420206). An algorithm developed to predict the effect of missense changes on protein structure and function (PolyPhen-2) suggests that this variant is likely to be tolerated. In summary, the available evidence is currently insufficient to determine the role of this variant in disease. Therefore, it has been classified as a Variant of Uncertain Significance.